The following is an entry in ClinVar:

NM_001846.4(COL4A2):c.4305G>A (p.Gly1435=)

Genes: COL4A2 (collagen type IV alpha 2 chain; plus strand), COL4A2-AS1 (COL4A2 antisense RNA 1; minus strand). Cytogenetic location: 13q34.
Variant type: single nucleotide variant.
Coding change: c.4305G>A on transcript NM_001846.4 (MANE Select); coding-DNA position 4305, G replaced by A.
Protein change: p.Gly1435=; no amino-acid change (glycine 1435 retained).
Molecular consequence: synonymous variant.
Genome position (GRCh38, 1-based): chr13:110,504,167, G>A. VCF-style: chr13-110504167-G-A. GRCh37 (hg19) VCF-style: chr13-111156514-G-A.
Identifiers: ClinVar variation 1676803 (VCV001676803.7), dbSNP rs770555680, ClinGen allele CA7050495.
Genomic context (GRCh38, chr13:110,504,167, plus strand): 5'-TGGTCAGTTTCCAGCCATAACGCTTCTTTGGTGGCTTGCAGGTTTCCGTGGGGCTCCAGG[G>A]AAAGCTGGGCCCCAAGGAAGAGGTGGTGTGTCTGCTGTTCCCGGCTTCCGGGGAGATGAA-3'
Protein context (NP_001837.2, residues 1425-1445): PGEPGFRGAP[Gly1435=]KAGPQGRGGV

ClinVar aggregate classification (germline): Likely benign. Review status: criteria provided, multiple submitters, no conflicts (2 of 4 stars). 2 submissions from 2 submitters: Likely benign (2). Last evaluated 2022-10-17.

Allele frequency attached by ClinVar (database versions not stated): gnomAD exomes below 0.00001 and 0.00002; ExAC 0.00001; gnomAD 0.00003; TOPMed 0.00004; 1000 Genomes Project 30x 0.00016.
gnomAD v4.1: 11 of 1,614,152 alleles (0.00068%); highest among the groups gnomAD compares: African/African-American, 0.011%; no homozygotes.

Submissions (2):

Labcorp Genetics (formerly Invitae), Labcorp
Classification: Likely benign. Last evaluated: 2022-10-17. Review status: criteria provided, single submitter. Criteria: Invitae Variant Classification Sherloc (09022015). Collection method: clinical testing. Allele origin: germline.

Centre of Medical Genetics, University Hospital Muenster
Classification: Likely benign. Last evaluated: 2022-02-24. Review status: criteria provided, single submitter. Criteria: ACMG Guidelines, 2015. Collection method: clinical testing. Allele origin: germline. Affected: yes. Observed: 1 variant allele, 1 heterozygote.
Comment: ACMG categories: BP4,BP7